The following is an entry in ClinVar:

NM_144499.3(GNAT1):c.1015A>G (p.Ile339Val)

Gene: GNAT1 (G protein subunit alpha transducin 1; plus strand). Cytogenetic location: 3p21.31.
Variant type: single nucleotide variant.
Coding change: c.1015A>G on transcript NM_144499.3 (MANE Select); coding-DNA position 1015, A replaced by G.
Protein change: p.Ile339Val; replaces isoleucine 339 with valine.
Molecular consequence: missense variant.
Genome position (GRCh38, 1-based): chr3:50,194,917, A>G. VCF-style: chr3-50194917-A-G. GRCh37 (hg19) VCF-style: chr3-50232350-A-G.
Other names: c.1015A>G, p.Ile339Val (NM_000172.4); short protein forms I339V.
Identifiers: ClinVar variation 932142 (VCV000932142.3), dbSNP rs1699480267, ClinGen allele CA352921255.

ClinVar aggregate classification (germline): Uncertain significance (1 of 4 stars; one submission).

Conditions:
Congenital stationary night blindness 1G. Identifiers: Orphanet 215, MedGen C4225345, MONDO:0014614, OMIM 616389.

Submission:

Centre for Mendelian Genomics, University Medical Centre Ljubljana
Classification: Uncertain significance for Congenital stationary night blindness 1G. Last evaluated: 2019-08-22. Review status: criteria provided, single submitter. Criteria: ACMG Guidelines, 2015. Collection method: clinical testing. Allele origin: unknown. Affected: yes.
Comment: This variant was classified as: Uncertain significance. The available evidence on this variant's pathogenicity is insufficient or conflicting. The following ACMG criteria were applied in classifying this variant: PM2,PP3.